The following is an entry in ClinVar:

NM_001367805.3(KIF23):c.2307A>G (p.Gln769=)

Gene: KIF23 (kinesin family member 23; plus strand). Cytogenetic location: 15q23.
Variant type: single nucleotide variant.
Coding change: c.2307A>G on transcript NM_001367805.3 (MANE Select); coding-DNA position 2307, A replaced by G.
Protein change: p.Gln769=; no amino-acid change (glutamine 769 retained).
Molecular consequence: synonymous variant. On other transcripts: non-coding transcript variant (1), intron variant (1).
Genome position (GRCh38, 1-based): chr15:69,440,965, A>G. VCF-style: chr15-69440965-A-G. GRCh37 (hg19) VCF-style: chr15-69733304-A-G.
Other names: c.1935A>G, p.Gln645= (NM_001281301.2); c.2265A>G, p.Gln755= (NM_001367804.2, NM_138555.4); c.2067+478A>G (NM_004856.7).
Identifiers: ClinVar variation 3057853 (VCV003057853.3), dbSNP rs772334858, ClinGen allele CA7635370.

ClinVar aggregate classification (germline): Likely benign. Review status: criteria provided, single submitter (1 of 4 stars). 2 submissions from 2 submitters: Likely benign (1). 1 of the submissions does not count toward it. Last evaluated 2025-09-02.

Conditions:
KIF23-related disorder. Also called: KIF23-related condition.

Allele frequency attached by ClinVar (database versions not stated): ExAC 0.00001; gnomAD 0.00001; gnomAD exomes 0.00001; TOPMed 0.00001.
gnomAD v4.1: 13 of 1,614,108 alleles (0.00081%); highest among the groups gnomAD compares: Admixed American, 0.01%; no homozygotes.

Submissions (2):

Labcorp Genetics (formerly Invitae), Labcorp
Classification: Likely benign. Last evaluated: 2025-09-02. Review status: criteria provided, single submitter. Criteria: Invitae Variant Classification Sherloc (09022015). Collection method: clinical testing. Allele origin: germline.

PreventionGenetics, part of Exact Sciences
Classification: Likely benign for KIF23-related condition. Last evaluated: 2019-04-04. Review status: no assertion criteria provided. Collection method: clinical testing. Allele origin: germline. Not counted in ClinVar's aggregate classification.
Comment: This variant is classified as likely benign based on ACMG/AMP sequence variant interpretation guidelines (Richards et al. 2015 PMID: 25741868, with internal and published modifications).